The following is an entry in ClinVar:

ClinVar aggregate classification (germline): Uncertain significance (1 of 4 stars; one submission).

Submission:

GeneDx
Classification: Uncertain significance. Last evaluated: 2024-02-20. Review status: criteria provided, single submitter. Criteria: GeneDx Variant Classification Process June 2021. Collection method: clinical testing. Allele origin: germline. Affected: yes.
Comment: Not observed at significant frequency in large population cohorts (gnomAD); In silico analysis supports that this missense variant has a deleterious effect on protein structure/function; Has not been previously published as pathogenic or benign to our knowledge

NM_177438.3(DICER1):c.1329C>G (p.Cys443Trp)

Gene: DICER1 (dicer 1, ribonuclease III; minus strand). Cytogenetic location: 14q32.13.
Variant type: single nucleotide variant.
Coding change: c.1329C>G on transcript NM_177438.3 (MANE Select); coding-DNA position 1329, C replaced by G.
Protein change: p.Cys443Trp; replaces cysteine 443 with tryptophan.
Molecular consequence: missense variant. On other transcripts: 5 prime UTR variant (1), non-coding transcript variant (6).
Genome position (GRCh38, 1-based): chr14:95,124,243, G>C on the plus strand (C>G on the coding strand, the complement: DICER1 is on the minus strand). VCF-style: chr14-95124243-G-C. GRCh37 (hg19) VCF-style: chr14-95590580-G-C.
Other names: c.1329C>G, p.Cys443Trp (NM_001195573.1, NM_001271282.3, NM_001291628.2 and 14 more transcripts); c.1047C>G, p.Cys349Trp (NM_001395686.1); c.924C>G, p.Cys308Trp (NM_001395687.1, NM_001395688.1, NM_001395689.1 and 3 more transcripts); c.762C>G, p.Cys254Trp (NM_001395691.1); c.-240C>G (NM_001395697.1); short protein forms C254W, C308W, C349W, C443W.
Identifiers: ClinVar variation 3369458 (VCV003369458.1).